The following is an entry in ClinVar:

ClinVar aggregate classification (germline): Uncertain significance (1 of 4 stars; one submission).

Conditions:
Cardiovascular phenotype. Identifiers: MedGen CN230736.

Submission:

Ambry Genetics
Classification: Uncertain significance for Cardiovascular phenotype. Last evaluated: 2024-08-25. Review status: criteria provided, single submitter. Criteria: Ambry Variant Classification Scheme 2023. Collection method: clinical testing. Allele origin: germline.
Comment: The p.L706F variant (also known as c.2118G>C), located in coding exon 13 of the SOS2 gene, results from a G to C substitution at nucleotide position 2118. The leucine at codon 706 is replaced by phenylalanine, an amino acid with highly similar properties. This amino acid position is conserved. In addition, this alteration is predicted to be tolerated by in silico analysis. Based on the available evidence, the clinical significance of this variant remains unclear.

NM_006939.4(SOS2):c.2118G>C (p.Leu706Phe)

Gene: SOS2 (SOS Ras/Rho guanine nucleotide exchange factor 2; minus strand). Cytogenetic location: 14q21.3.
Variant type: single nucleotide variant.
Coding change: c.2118G>C on transcript NM_006939.4 (MANE Select); coding-DNA position 2118, G replaced by C.
Protein change: p.Leu706Phe; replaces leucine 706 with phenylalanine.
Molecular consequence: missense variant.
Genome position (GRCh38, 1-based): chr14:50,153,113, C>G on the plus strand (G>C on the coding strand, the complement: SOS2 is on the minus strand). VCF-style: chr14-50153113-C-G. GRCh37 (hg19) VCF-style: chr14-50619831-C-G.
Other names: c.2019G>C, p.Leu673Phe (NM_001411020.1); short protein forms L706F, L673F.
Identifiers: ClinVar variation 3447360 (VCV003447360.1).